The following is an entry in ClinVar:

NM_001035.3(RYR2):c.8147A>T (p.Lys2716Ile)

Gene: RYR2 (ryanodine receptor 2; plus strand). Cytogenetic location: 1q43.
Variant type: single nucleotide variant.
Coding change: c.8147A>T on transcript NM_001035.3 (MANE Select); coding-DNA position 8147, A replaced by T.
Protein change: p.Lys2716Ile; replaces lysine 2716 with isoleucine.
Molecular consequence: missense variant.
Genome position (GRCh38, 1-based): chr1:237,657,961, A>T. VCF-style: chr1-237657961-A-T. GRCh37 (hg19) VCF-style: chr1-237821261-A-T.
Other names: c.8147A>T, p.Lys2716Ile (LRG_402t1); short protein forms K2716I.
Identifiers: ClinVar variation 197961 (VCV000197961.66), dbSNP rs749618476, ClinGen allele CA010850.

ClinVar aggregate classification (germline): Uncertain significance. Review status: criteria provided, multiple submitters, no conflicts (2 of 4 stars). 12 submissions from 12 submitters: Uncertain significance (9). 3 of the submissions do not count toward it. Last evaluated 2026-03-19.

Conditions:
Catecholaminergic polymorphic ventricular tachycardia (CVPT). Also called: Catecholamine-induced polymorphic ventricular tachycardia. Identifiers: Orphanet 3286, MedGen C5574922, MONDO:0017990.
Cardiovascular phenotype. Identifiers: MedGen CN230736.
Cardiomyopathy (CMYO). Also called: Cardiomyopathies. Identifiers: Orphanet 167848, MedGen C0878544, MONDO:0004994, HP:0001638. Inheritance: Various modes of inheritance.
Catecholaminergic polymorphic ventricular tachycardia 1. Also called: RYR2-Related Catecholaminergic Polymorphic Ventricular Tachycardia; VENTRICULAR TACHYCARDIA, CATECHOLAMINERGIC POLYMORPHIC, 1, WITH OR WITHOUT ATRIAL DYSFUNCTION AND/OR DILATED CARDIOMYOPATHY; VENTRICULAR TACHYCARDIA, STRESS-INDUCED POLYMORPHIC 1. Identifiers: Orphanet 3286, MedGen C1631597, MONDO:0011484, OMIM 604772.

Allele frequency attached by ClinVar (database versions not stated): TOPMed 0.00003; ExAC 0.00004; gnomAD 0.00004 and 0.00005; gnomAD exomes 0.00004 and 0.00006.
gnomAD v4.1: 88 of 1,513,926 alleles (0.0058%); highest among the groups gnomAD compares: Non-Finnish European, 0.0075%; no homozygotes.

Submissions (12):

Ambry Genetics
Classification: Uncertain significance for Cardiovascular phenotype. Last evaluated: 2026-03-19. Review status: criteria provided, single submitter. Criteria: Ambry Variant Classification Scheme 2023. Collection method: clinical testing. Allele origin: germline.
Comment: The c.8147A>T (p.K2716I) alteration is located in exon 54 (coding exon 54) of the RYR2 gene. This alteration results from a A to T substitution at nucleotide position 8147, causing the lysine (K) at amino acid position 2716 to be replaced by an isoleucine (I). Based on data from gnomAD, the T allele has an overall frequency of 0.004% (6/135176) total alleles studied. The highest observed frequency was 0.011% (6/54648) of European (non-Finnish) alleles. Based on insufficient or conflicting evidence, the clinical significance of this alteration remains unclear.

Labcorp Genetics (formerly Invitae), Labcorp
Classification: Uncertain significance for Catecholaminergic polymorphic ventricular tachycardia 1. Last evaluated: 2025-12-20. Review status: criteria provided, single submitter. Criteria: Invitae Variant Classification Sherloc (09022015). Collection method: clinical testing. Allele origin: germline.
Comment: This sequence change replaces lysine, which is basic and polar, with isoleucine, which is neutral and non-polar, at codon 2716 of the RYR2 protein (p.Lys2716Ile). This variant is present in population databases (rs749618476, gnomAD 0.01%). This missense change has been observed in individual(s) with arrhythmia (PMID: 30847666, 32152366). ClinVar contains an entry for this variant (Variation ID: 197961). Invitae Evidence Modeling of protein sequence and biophysical properties (such as structural, functional, and spatial information, amino acid conservation, physicochemical variation, residue mobility, and thermodynamic stability) has been performed for this missense variant. However, the output from this modeling did not meet the statistical confidence thresholds required to predict the impact of this variant on RYR2 protein function. In summary, the available evidence is currently insufficient to determine the role of this variant in disease. Therefore, it has been classified as a Variant of Uncertain Significance.

Women's Health and Genetics/Laboratory Corporation of America, LabCorp
Classification: Uncertain significance. Last evaluated: 2025-10-21. Review status: criteria provided, single submitter. Criteria: LabCorp Variant Classification Summary - May 2015. Collection method: clinical testing. Allele origin: germline.
Comment: Variant summary: RYR2 c.8147A>T (p.Lys2716Ile) results in a non-conservative amino acid change in the encoded protein sequence. Algorithms developed to predict the effect of missense changes on protein structure and function all suggest that this variant is likely to be disruptive. The variant allele was found at a frequency of 4.4e-05 in 135176 control chromosomes. The available data on variant occurrences in the general population are insufficient to allow any conclusion about variant significance. c.8147A>T has been observed in the setting of cardiogenetic gene testing panels without clear evidence for causality (van Lint_2019, Olubando_2020). These report(s) do not provide unequivocal conclusions about association of the variant with Catecholaminergic Polymorphic Ventricular Tachycardia. To our knowledge, no experimental evidence demonstrating an impact on protein function has been reported. The following publications have been ascertained in the context of this evaluation (PMID: 32152366, 30847666). ClinVar contains an entry for this variant (Variation ID: 197961). Based on the evidence outlined above, the variant was classified as uncertain significance.

Molecular Diagnostic Laboratory for Inherited Cardiovascular Disease, Montreal Heart Institute
Classification: Uncertain significance for Cardiovascular phenotype. Last evaluated: 2025-04-09. Review status: criteria provided, single submitter. Criteria: ACMG Guidelines, 2015. Collection method: clinical testing. Allele origin: germline. Affected: yes.

CeGaT Center for Human Genetics Tuebingen
Classification: Uncertain significance. Last evaluated: 2024-07-01. Review status: criteria provided, single submitter. Criteria: CeGaT Center For Human Genetics Tuebingen Variant Classification Criteria Version 2. Collection method: clinical testing. Allele origin: germline. Affected: yes. Observed: 2 variant alleles.
Comment: RYR2: PM2:Supporting

Color Diagnostics, LLC DBA Color Health
Classification: Uncertain significance for Cardiomyopathy. Last evaluated: 2024-02-15. Review status: criteria provided, single submitter. Criteria: ACMG Guidelines, 2015. Collection method: clinical testing. Allele origin: germline.
Comment: This missense variant replaces lysine with isoleucine at codon 2716 of the RYR2 protein. Computational prediction suggests that this variant may have deleterious impact on protein structure and function. To our knowledge, functional studies have not been reported for this variant. This variant has not been reported in individuals affected with cardiovascular disorders in the literature. This variant has been identified in 6/135176 chromosomes in the general population by the Genome Aggregation Database (gnomAD). The available evidence is insufficient to determine the role of this variant in disease conclusively. Therefore, this variant is classified as a Variant of Uncertain Significance.

All of Us Research Program, National Institutes of Health
Classification: Uncertain significance for Catecholaminergic polymorphic ventricular tachycardia. Last evaluated: 2023-12-01. Review status: criteria provided, single submitter. Criteria: ACMG Guidelines, 2015. Collection method: clinical testing. Allele origin: germline. Inheritance: Autosomal dominant inheritance. Observed: 18 variant alleles, 18 heterozygotes.
Comment: This missense variant replaces lysine with isoleucine at codon 2716 of the RYR2 protein. Computational prediction suggests that this variant may have deleterious impact on protein structure and function (internally defined REVEL score threshold >= 0.7, PMID: 27666373). To our knowledge, functional studies have not been reported for this variant. This variant has not been reported in individuals affected with cardiovascular disorders in the literature. This variant has been identified in 6/135176 chromosomes in the general population by the Genome Aggregation Database (gnomAD). The available evidence is insufficient to determine the role of this variant in disease conclusively. Therefore, this variant is classified as a Variant of Uncertain Significance.

This study involves interpretation of variants in research participants for the purpose of population health screening. Participant phenotype was not available at the time of variant classification. Additional details can be found in publication PMID: 35346344, PMCID: PMC8962531

GeneDx
Classification: Uncertain significance. Last evaluated: 2023-08-03. Review status: criteria provided, single submitter. Criteria: GeneDx Variant Classification Process June 2021. Collection method: clinical testing. Allele origin: germline. Affected: yes.
Comment: In silico analysis supports that this missense variant has a deleterious effect on protein structure/function; This variant is associated with the following publications: (PMID: 28404607, 30847666)

Eurofins Ntd Llc (ga)
Classification: Uncertain significance. Last evaluated: 2014-11-15. Review status: criteria provided, single submitter. Criteria: EGL Classification Definitions 2015. Collection method: clinical testing. Allele origin: germline. Observed: 1 variant allele, 1 heterozygote.

Clinical Genetics DNA and cytogenetics Diagnostics Lab, Erasmus MC, Erasmus Medical Center
Classification: Uncertain significance. Review status: no assertion criteria provided. Collection method: clinical testing. Allele origin: germline. Affected: yes. Study: VKGL Data-share Consensus. Not counted in ClinVar's aggregate classification.

Clinical Genetics, Academic Medical Center
Classification: Uncertain significance. Review status: no assertion criteria provided. Collection method: clinical testing. Allele origin: germline. Affected: yes. Study: VKGL Data-share Consensus. Not counted in ClinVar's aggregate classification.

Diagnostic Laboratory, Department of Genetics, University Medical Center Groningen
Classification: Uncertain significance. Review status: no assertion criteria provided. Collection method: clinical testing. Allele origin: germline. Affected: yes. Study: VKGL Data-share Consensus. Not counted in ClinVar's aggregate classification.

Literature cited by the submitters: PubMed 30847666 (cited by Labcorp Genetics (formerly Invitae), Labcorp and Women's Health and Genetics/Laboratory Corporation of America, LabCorp); PubMed 32152366 (cited by Labcorp Genetics (formerly Invitae), Labcorp and Women's Health and Genetics/Laboratory Corporation of America, LabCorp).